The following is an entry in ClinVar:

ClinVar aggregate classification (germline): Uncertain significance (1 of 4 stars; one submission).

Conditions:
Dilated cardiomyopathy 1AA (CMD1AA). Also called: Cardiomyopathy, dilated, 1AA, with or without LVNC; CARDIOMYOPATHY, DILATED, 1AA, WITH OR WITHOUT LEFT VENTRICULAR NONCOMPACTION; CARDIOMYOPATHY, FAMILIAL HYPERTROPHIC, 23, WITH OR WITHOUT LEFT VENTRICULAR NONCOMPACTION. Identifiers: Orphanet 154, MedGen C2677338, MONDO:0012808, OMIM 612158.
Primary familial hypertrophic cardiomyopathy (HCM). Identifiers: Orphanet 99739, MedGen C0949658, MeSH D024741, MONDO:0024573. Inheritance: Various modes of inheritance.

Submission:

Labcorp Genetics (formerly Invitae), Labcorp
Classification: Uncertain significance for Primary familial hypertrophic cardiomyopathy; Dilated cardiomyopathy 1AA. Last evaluated: 2024-01-21. Review status: criteria provided, single submitter. Criteria: Invitae Variant Classification Sherloc (09022015). Collection method: clinical testing. Allele origin: germline.
Comment: This sequence change creates a premature translational stop signal (p.Trp180*) in the ACTN2 gene. It is expected to result in an absent or disrupted protein product. However, the current clinical and genetic evidence is not sufficient to establish whether loss-of-function variants in ACTN2 cause disease. This variant is not present in population databases (gnomAD no frequency). This variant has not been reported in the literature in individuals affected with ACTN2-related conditions. In summary, the available evidence is currently insufficient to determine the role of this variant in disease. Therefore, it has been classified as a Variant of Uncertain Significance.

NM_001103.4(ACTN2):c.539G>A (p.Trp180Ter)

Gene: ACTN2 (actinin alpha 2; plus strand). Cytogenetic location: 1q43.
Variant type: single nucleotide variant.
Coding change: c.539G>A on transcript NM_001103.4 (MANE Select); coding-DNA position 539, G replaced by A.
Protein change: p.Trp180Ter; replaces tryptophan 180 with a stop codon.
Molecular consequence: nonsense. On other transcripts: non-coding transcript variant (1).
Genome position (GRCh38, 1-based): chr1:236,727,680, G>A. VCF-style: chr1-236727680-G-A. GRCh37 (hg19) VCF-style: chr1-236890980-G-A.
Other names: c.539G>A, p.Trp180Ter (NM_001278343.2); c.-283G>A (NM_001278344.2); c.-408G>A (NM_001412150.1); short protein forms W180*.
Identifiers: ClinVar variation 2922344 (VCV002922344.3), dbSNP rs2527564927, ClinGen allele CA345375331.
Genomic context (GRCh38, chr1:236,727,680, plus strand): 5'-CTGGCTGCTTCTTTCTCTCCACTAACACGTGTTCCTGTTCTTCTCGACGGCTGTGAAGCT[G>A]GAAAGATGGCCTTGGACTCTGTGCCCTCATCCACCGACACCGGCCTGACCTCATTGACTA-3'